The following is an entry in ClinVar:

ClinVar aggregate classification (germline): Conflicting classifications of pathogenicity. Review status: criteria provided, conflicting classifications (1 of 4 stars). 5 submissions from 5 submitters: Uncertain significance (4); Likely benign (1). Last evaluated 2026-01-06.

Conditions:
POLD1-related polyposis and colorectal cancer syndrome (CRCS10). Also called: Colorectal cancer, susceptibility to, 10; Colorectal cancer 10; COLORECTAL CANCER, SUSCEPTIBILITY TO, ON CHROMOSOME 19q. Identifiers: Orphanet 220460, MedGen C2675481, MONDO:0012953, OMIM 612591.
Hereditary cancer-predisposing syndrome. Also called: Neoplastic Syndromes, Hereditary; Hereditary neoplastic syndrome; Hereditary Cancer Syndrome; Tumor predisposition. Identifiers: Orphanet 140162, MedGen C0027672, MeSH D009386, MONDO:0015356.

Allele frequency attached by ClinVar (database versions not stated): gnomAD 0.00002 and 0.00006; gnomAD exomes 0.00004 and 0.00008; TOPMed 0.00005; 1000 Genomes Project 30x 0.00031; ExAC 0.00031; 1000 Genomes Project 0.00040.

Submissions (5):

Labcorp Genetics (formerly Invitae), Labcorp
Classification: Uncertain significance for POLD1-related polyposis and colorectal cancer syndrome. Last evaluated: 2026-01-06. Review status: criteria provided, single submitter. Criteria: Invitae Variant Classification Sherloc (09022015). Collection method: clinical testing. Allele origin: germline.
Comment: This sequence change replaces arginine, which is basic and polar, with histidine, which is basic and polar, at codon 352 of the POLD1 protein (p.Arg352His). This variant is present in population databases (rs556862476, gnomAD 0.03%). This variant has not been reported in the literature in individuals affected with POLD1-related conditions. ClinVar contains an entry for this variant (Variation ID: 408039). Invitae Evidence Modeling of protein sequence and biophysical properties (such as structural, functional, and spatial information, amino acid conservation, physicochemical variation, residue mobility, and thermodynamic stability) has been performed for this missense variant. However, the output from this modeling did not meet the statistical confidence thresholds required to predict the impact of this variant on POLD1 protein function. In summary, the available evidence is currently insufficient to determine the role of this variant in disease. Therefore, it has been classified as a Variant of Uncertain Significance.

GeneDx
Classification: Uncertain significance. Last evaluated: 2022-12-16. Review status: criteria provided, single submitter. Criteria: GeneDx Variant Classification Process June 2021. Collection method: clinical testing. Allele origin: germline. Affected: yes.
Comment: In silico analysis supports that this missense variant has a deleterious effect on protein structure/function; Has not been previously published as pathogenic or benign to our knowledge; This variant is associated with the following publications: (PMID: 20951805)

Sema4
Classification: Uncertain significance for Hereditary cancer-predisposing syndrome. Last evaluated: 2022-02-03. Review status: criteria provided, single submitter. Criteria: Sema4 Curation Guidelines. Collection method: curation. Allele origin: germline.
Comment: The POLD1 c.1055G>A (p.R352H) variant has not been reported in the literature to our knowledge. This variant was observed in 9/23554 chromosomes in the South Asian population, according to the Genome Aggregation Database (PMID: 32461654). This variant has been reported in ClinVar (Variation ID: 408039). Functional studies have not been performed, and in silico predictions of the variant's effect on protein function are inconclusive. The evidence is insufficient to meet ACMG/AMP criteria for classifying the variant as benign or pathogenic. Thus, the clinical significance of this variant is currently uncertain.

Ambry Genetics
Classification: Likely benign for Hereditary cancer-predisposing syndrome. Last evaluated: 2019-08-19. Review status: criteria provided, single submitter. Criteria: Ambry Variant Classification Scheme 2023. Collection method: clinical testing. Allele origin: germline.

PreventionGenetics, part of Exact Sciences
Classification: Uncertain significance. Last evaluated: 2016-10-03. Review status: criteria provided, single submitter. Criteria: ACMG Guidelines, 2015. Collection method: clinical testing. Allele origin: germline.

NM_002691.4(POLD1):c.1055G>A (p.Arg352His)

Gene: POLD1 (DNA polymerase delta 1, catalytic subunit; plus strand). Cytogenetic location: 19q13.33.
Variant type: single nucleotide variant.
Coding change: c.1055G>A on transcript NM_002691.4 (MANE Select); coding-DNA position 1055, G replaced by A.
Protein change: p.Arg352His; replaces arginine 352 with histidine.
Molecular consequence: missense variant. On other transcripts: non-coding transcript variant (1).
Genome position (GRCh38, 1-based): chr19:50,403,137, G>A. VCF-style: chr19-50403137-G-A. GRCh37 (hg19) VCF-style: chr19-50906394-G-A.
Other names: c.1055G>A, p.Arg352His (NM_001256849.1, NM_001308632.1); short protein forms R352H.
Identifiers: ClinVar variation 408039 (VCV000408039.14), dbSNP rs556862476, ClinGen allele CA9596012.